The following is an entry in ClinVar:

ClinVar aggregate classification (germline): Uncertain significance (1 of 4 stars; one submission).

Allele frequency attached by ClinVar (database versions not stated): gnomAD exomes 0.00002; TOPMed below 0.00001; ExAC 0.00002.
gnomAD v4.1: 34 of 1,614,174 alleles (0.0021%); highest among the groups gnomAD compares: Admixed American, 0.0033%; no homozygotes.

Submission:

Labcorp Genetics (formerly Invitae), Labcorp
Classification: Uncertain significance. Last evaluated: 2024-01-22. Review status: criteria provided, single submitter. Criteria: Invitae Variant Classification Sherloc (09022015). Collection method: clinical testing. Allele origin: germline.
Comment: This sequence change replaces alanine, which is neutral and non-polar, with threonine, which is neutral and polar, at codon 581 of the TCF20 protein (p.Ala581Thr). This variant is present in population databases (rs761031670, gnomAD 0.002%). This variant has not been reported in the literature in individuals affected with TCF20-related conditions. Algorithms developed to predict the effect of missense changes on protein structure and function output the following: SIFT: "Not Available"; PolyPhen-2: "Benign"; Align-GVGD: "Not Available". The threonine amino acid residue is found in multiple mammalian species, which suggests that this missense change does not adversely affect protein function. In summary, the available evidence is currently insufficient to determine the role of this variant in disease. Therefore, it has been classified as a Variant of Uncertain Significance.

NM_001378418.1(TCF20):c.1741G>A (p.Ala581Thr)

Gene: TCF20 (transcription factor 20; minus strand). Cytogenetic location: 22q13.2.
Variant type: single nucleotide variant.
Coding change: c.1741G>A on transcript NM_001378418.1 (MANE Select); coding-DNA position 1741, G replaced by A.
Protein change: p.Ala581Thr; replaces alanine 581 with threonine.
Molecular consequence: missense variant.
Genome position (GRCh38, 1-based): chr22:42,213,565, C>T on the plus strand (G>A on the coding strand, the complement: TCF20 is on the minus strand). VCF-style: chr22-42213565-C-T. GRCh37 (hg19) VCF-style: chr22-42609571-C-T.
Other names: c.1741G>A, p.Ala581Thr (NM_005650.4, NM_181492.3); short protein forms A581T.
Identifiers: ClinVar variation 2991259 (VCV002991259.3), dbSNP rs761031670, ClinGen allele CA10267128.